The following is an entry in ClinVar:

NM_015073.3(SIPA1L3):c.3206C>T (p.Thr1069Ile)

Gene: SIPA1L3 (signal induced proliferation associated 1 like 3; plus strand). Cytogenetic location: 19q13.13.
Variant type: single nucleotide variant.
Coding change: c.3206C>T on transcript NM_015073.3 (MANE Select); coding-DNA position 3206, C replaced by T.
Protein change: p.Thr1069Ile; replaces threonine 1069 with isoleucine.
Molecular consequence: missense variant.
Genome position (GRCh38, 1-based): chr19:38,141,246, C>T. VCF-style: chr19-38141246-C-T. GRCh37 (hg19) VCF-style: chr19-38631886-C-T.
Other names: short protein forms T1069I.
Identifiers: ClinVar variation 3716711 (VCV003716711.2).
Genomic context (GRCh38, chr19:38,141,246, plus strand): 5'-GTTGGCCGGAGACCTACGACATGAATACCTCGGAGCCCAAGACGGAGCAGGAAAGCATCA[C>T]TCCTGGGGGCCGGCCCCCCTACCGCAGCAATGCTCCCTGGCAGTGGAGCGGGCCCGCATC-3'
Protein context (NP_055888.1, residues 1059-1079): SEPKTEQESI[Thr1069Ile]PGGRPPYRSN

ClinVar aggregate classification (germline): Uncertain significance (1 of 4 stars; one submission).

gnomAD v4.1: 2 of 1,613,682 alleles (0.00012%); highest among the groups gnomAD compares: South Asian, 0.0011%; no homozygotes.

Submission:

Labcorp Genetics (formerly Invitae), Labcorp
Classification: Uncertain significance. Last evaluated: 2024-08-27. Review status: criteria provided, single submitter. Criteria: Invitae Variant Classification Sherloc (09022015). Collection method: clinical testing. Allele origin: germline.
Comment: This sequence change replaces threonine, which is neutral and polar, with isoleucine, which is neutral and non-polar, at codon 1069 of the SIPA1L3 protein (p.Thr1069Ile). This variant is not present in population databases (gnomAD no frequency). This variant has not been reported in the literature in individuals affected with SIPA1L3-related conditions. An algorithm developed to predict the effect of missense changes on protein structure and function (PolyPhen-2) suggests that this variant is likely to be tolerated. In summary, the available evidence is currently insufficient to determine the role of this variant in disease. Therefore, it has been classified as a Variant of Uncertain Significance.